The following is an entry in ClinVar:

NM_000018.4(ACADVL):c.898_900del (p.Met300del)

Gene: ACADVL (acyl-CoA dehydrogenase very long chain; plus strand). Cytogenetic location: 17p13.1.
Variant type: Deletion.
Coding change: c.898_900del on transcript NM_000018.4 (MANE Select); coding-DNA positions 898 to 900, 3 bases deleted (ATG; older notation c.898_900delATG).
Protein change: p.Met300del; deletes methionine 300.
Genome position (GRCh38, 1-based): chr17:7,222,686-7,222,688, ATG deleted; deleting any 3 consecutive bases within chr17:7,222,685-7,222,688 gives the same sequence; the c. name uses the placement nearest the transcript's 3' end. VCF-style (leftmost placement, unchanged base first): chr17-7222684-AGAT-A. GRCh37 (hg19) VCF-style: chr17-7126003-AGAT-A.
Other names: c.832_834del, p.Met278del (NM_001033859.3); c.967_969del, p.Met323del (NM_001270447.2); c.670_672del, p.Met224del (NM_001270448.2); short protein forms M300del, M323del, M224del, M278del.
Identifiers: ClinVar variation 3727417 (VCV003727417.2).
Genomic context (GRCh38, chr17:7,222,684, plus strand): 5'-CCTGTTGAACACACCTCTGCTTTCCCACACTGCCCTGACACAGTGGGCCCCCTGAGAAGA[AGAT>A]GGGCATCAAGGCTTCAAACACAGCAGAGGTGTTCTTTGATGGAGTACGGGTGCCATCGGA-3'

ClinVar aggregate classification (germline): Pathogenic (1 of 4 stars; one submission).

Conditions:
Very long chain acyl-CoA dehydrogenase deficiency (ACADVLD). Also called: VLCAD Deficiency; Very Long-Chain Acyl-Coenzyme A Dehydrogenase Deficiency. Identifiers: Orphanet 26793, MedGen C3887523, MONDO:0008723, OMIM 201475.

Submission:

Labcorp Genetics (formerly Invitae), Labcorp
Classification: Pathogenic for Very long chain acyl-CoA dehydrogenase deficiency. Last evaluated: 2024-12-17. Review status: criteria provided, single submitter. Criteria: Invitae Variant Classification Sherloc (09022015). Collection method: clinical testing. Allele origin: germline.
Comment: This variant, c.898_900del, results in the deletion of 1 amino acid(s) of the ACADVL protein (p.Met300del), but otherwise preserves the integrity of the reading frame. This variant is not present in population databases (gnomAD no frequency). This variant has not been reported in the literature in individuals affected with ACADVL-related conditions. This variant disrupts a region of the ACADVL protein in which other variant(s) (p.Met300Val) have been determined to be pathogenic (PMID: 26385305, 27209629, 28871440, 32558070). This suggests that this is a clinically significant region of the protein, and that variants that disrupt it are likely to be disease-causing. For these reasons, this variant has been classified as Pathogenic.

Literature cited by the submitters: PubMed 26385305; PubMed 27209629; PubMed 28871440; PubMed 32558070.